The following is an entry in ClinVar:

ClinVar aggregate classification (germline): Likely benign (0 of 4 stars; one submission).

Conditions:
KLF4-related disorder. Also called: KLF4-related condition.

Allele frequency attached by ClinVar (database versions not stated): TOPMed below 0.00001; gnomAD exomes 0.00001.
gnomAD v4.1: 3 of 1,581,492 alleles (0.00019%); highest among the groups gnomAD compares: Non-Finnish European, 0.00026%; no homozygotes.

Submission:

PreventionGenetics, part of Exact Sciences
Classification: Likely benign for KLF4-related condition. Last evaluated: 2019-06-19. Review status: no assertion criteria provided. Collection method: clinical testing. Allele origin: germline.
Comment: This variant is classified as likely benign based on ACMG/AMP sequence variant interpretation guidelines (Richards et al. 2015 PMID: 25741868, with internal and published modifications).

NM_004235.6(KLF4):c.456T>C (p.Tyr152=)

Gene: KLF4 (KLF transcription factor 4; minus strand). Cytogenetic location: 9q31.2.
Variant type: single nucleotide variant.
Coding change: c.456T>C on transcript NM_004235.6 (MANE Select); coding-DNA position 456, T replaced by C.
Protein change: p.Tyr152=; no amino-acid change (tyrosine 152 retained).
Molecular consequence: synonymous variant.
Genome position (GRCh38, 1-based): chr9:107,487,938, A>G on the plus strand (T>C on the coding strand, the complement: KLF4 is on the minus strand). VCF-style: chr9-107487938-A-G. GRCh37 (hg19) VCF-style: chr9-110250219-A-G.
Other names: c.456T>C, p.Tyr152= (NM_001314052.2).
Identifiers: ClinVar variation 3033686 (VCV003033686.2), dbSNP rs1829108501, ClinGen allele CA466415376.
Genomic context (GRCh38, chr9:107,487,938, plus strand): 5'-GAGGAGGCCTCCGCCCGTGCCGCCCGGCGCCACGCCCGGGTCGTTCCCGGCCCGGATCGG[A>G]TAGGTGAAGCTGCAGGTGGAGGGCGCGCTGGCAGGGCCGCTGCTCGACGGCGACGACGAA-3'
Protein context (NP_004226.3, residues 142-162): ASAPSTCSFT[Tyr152=]PIRAGNDPGV